The following is an entry in ClinVar:

ClinVar aggregate classification (germline): Uncertain significance (1 of 4 stars; one submission).

Conditions:
Inborn genetic diseases. Identifiers: MedGen C0950123, MeSH D030342.

Submission:

Ambry Genetics
Classification: Uncertain significance for Inborn genetic diseases. Last evaluated: 2026-01-02. Review status: criteria provided, single submitter. Criteria: Ambry Variant Classification Scheme 2023. Collection method: clinical testing. Allele origin: germline.
Comment: The c.1427A>G (p.Y476C) alteration is located in exon 10 (coding exon 10) of the SLC6A8 gene. This alteration results from an A to G substitution at nucleotide position 1427, causing the tyrosine (Y) at amino acid position 476 to be replaced by a cysteine (C). This variant was not reported in population-based cohorts in the Genome Aggregation Database (gnomAD). This amino acid position is highly conserved in available vertebrate species. This alteration is predicted to be deleterious by in silico analysis. Based on insufficient or conflicting evidence, the clinical significance of this alteration remains unclear.

NM_005629.4(SLC6A8):c.1427A>G (p.Tyr476Cys)

Gene: SLC6A8 (solute carrier family 6 member 8; plus strand). Cytogenetic location: Xq28.
Variant type: single nucleotide variant.
Coding change: c.1427A>G on transcript NM_005629.4 (MANE Select); coding-DNA position 1427, A replaced by G.
Protein change: p.Tyr476Cys; replaces tyrosine 476 with cysteine.
Molecular consequence: missense variant.
Genome position (GRCh38, 1-based): chrX:153,694,378, A>G. VCF-style: chrX-153694378-A-G. GRCh37 (hg19) VCF-style: chrX-152959833-A-G.
Other names: c.1397A>G, p.Tyr466Cys (NM_001142805.2); c.1082A>G, p.Tyr361Cys (NM_001142806.1); short protein forms Y476C, Y361C, Y466C.
Identifiers: ClinVar variation 4631490 (VCV004631490.2).